The following is an entry in ClinVar:

ClinVar aggregate classification (germline): Uncertain significance (1 of 4 stars; one submission).

Conditions:
Tuberous sclerosis syndrome (TSC). Also called: Tuberous Sclerosis Complex; Tuberous sclerosis. Identifiers: Orphanet 805, MedGen C0041341, MONDO:0001734.

gnomAD v4.1: 2 of 1,610,874 alleles (0.00012%); highest among the groups gnomAD compares: Non-Finnish European, 0.00017%; no homozygotes.

Submission:

Color Diagnostics, LLC DBA Color Health
Classification: Uncertain significance for Tuberous sclerosis syndrome. Last evaluated: 2025-06-23. Review status: criteria provided, single submitter. Criteria: ACMG Guidelines, 2015. Collection method: clinical testing. Allele origin: germline.
Comment: This missense variant replaces aspartic acid with glutamic acid at codon 1319 of the TSC2 protein. Computational prediction is inconclusive regarding the impact of this variant on protein structure and function. To our knowledge, functional studies have not been reported for this variant. This variant has not been reported in individuals affected with TSC2-related disorders in the literature. This variant has not been identified in the general population by the Genome Aggregation Database (gnomAD). The available evidence is insufficient to determine the role of this variant in disease conclusively. Therefore, this variant is classified as a Variant of Uncertain Significance.

NM_000548.5(TSC2):c.3957C>A (p.Asp1319Glu)

Gene: TSC2 (TSC complex subunit 2; plus strand). Cytogenetic location: 16p13.3.
Variant type: single nucleotide variant.
Coding change: c.3957C>A on transcript NM_000548.5 (MANE Select); coding-DNA position 3957, C replaced by A.
Protein change: p.Asp1319Glu; replaces aspartic acid 1319 with glutamic acid.
Molecular consequence: missense variant. On other transcripts: non-coding transcript variant (5).
Genome position (GRCh38, 1-based): chr16:2,083,768, C>A. VCF-style: chr16-2083768-C-A. GRCh37 (hg19) VCF-style: chr16-2133769-C-A.
Other names: c.3159C>A, p.Asp1053Glu (NM_001406685.1, NM_001406686.1); c.3156C>A, p.Asp1052Glu (NM_001406687.1, NM_001406688.1); c.2544C>A, p.Asp848Glu (NM_001406689.1); c.2484C>A, p.Asp828Glu (NM_001406690.1); c.2481C>A, p.Asp827Glu (NM_001406691.1); c.2415C>A, p.Asp805Glu (NM_001406692.1, NM_001406693.1, NM_001406694.1); c.3828C>A, p.Asp1276Glu (NM_001370405.1, NM_021055.3); c.3954C>A, p.Asp1318Glu (NM_001406663.1); and 26 more; short protein forms D1052E, D1053E, D1075E, D1095E, D1096E, D1099E, D1119E, D1203E.
Identifiers: ClinVar variation 4756921 (VCV004756921.1).
Genomic context (GRCh38, chr16:2,083,768, plus strand): 5'-CATGGAGGAGGGAAGTCCGGGCGAGGTTCCTGTGCTGGTGGAGCCCCCAGGGTTGGAGGA[C>A]GTTGAGGCAGCGCTAGGCATGGACAGGCGCACGGATGCCTACAGCAGGGTGAGTGTGGCT-3'
Protein context (NP_000539.2, residues 1309-1329): PVLVEPPGLE[Asp1319Glu]VEAALGMDRR